The following is an entry in ClinVar:

ClinVar aggregate classification (germline): Uncertain significance (1 of 4 stars; one submission).

Conditions:
Rubinstein-Taybi syndrome (RSTS). Identifiers: Orphanet 783, MedGen C0035934, MONDO:0019188.

Submission:

Labcorp Genetics (formerly Invitae), Labcorp
Classification: Uncertain significance for Rubinstein-Taybi syndrome. Last evaluated: 2023-08-23. Review status: criteria provided, single submitter. Criteria: Invitae Variant Classification Sherloc (09022015). Collection method: clinical testing. Allele origin: germline.
Comment: This sequence change replaces arginine, which is basic and polar, with tryptophan, which is neutral and slightly polar, at codon 1800 of the CREBBP protein (p.Arg1800Trp). This variant is not present in population databases (gnomAD no frequency). This variant has not been reported in the literature in individuals affected with CREBBP-related conditions. Advanced modeling of protein sequence and biophysical properties (such as structural, functional, and spatial information, amino acid conservation, physicochemical variation, residue mobility, and thermodynamic stability) performed at Invitae indicates that this missense variant is expected to disrupt CREBBP protein function. In summary, the available evidence is currently insufficient to determine the role of this variant in disease. Therefore, it has been classified as a Variant of Uncertain Significance.

NM_004380.3(CREBBP):c.5398C>T (p.Arg1800Trp)

Gene: CREBBP (CREB binding lysine acetyltransferase; minus strand). Cytogenetic location: 16p13.3.
Variant type: single nucleotide variant.
Coding change: c.5398C>T on transcript NM_004380.3 (MANE Select); coding-DNA position 5398, C replaced by T.
Protein change: p.Arg1800Trp; replaces arginine 1800 with tryptophan.
Molecular consequence: missense variant.
Genome position (GRCh38, 1-based): chr16:3,729,649, G>A on the plus strand (C>T on the coding strand, the complement: CREBBP is on the minus strand). VCF-style: chr16-3729649-G-A. GRCh37 (hg19) VCF-style: chr16-3779650-G-A.
Other names: c.5284C>T, p.Arg1762Trp (NM_001079846.1); short protein forms R1762W, R1800W.
Identifiers: ClinVar variation 2754636 (VCV002754636.3), dbSNP rs2151311140, ClinGen allele CA394556568.